The following is an entry in ClinVar:

NM_203447.4(DOCK8):c.5310C>G (p.Leu1770=)

Gene: DOCK8 (dedicator of cytokinesis 8; plus strand). Cytogenetic location: 9p24.3.
Variant type: single nucleotide variant.
Coding change: c.5310C>G on transcript NM_203447.4 (MANE Select); coding-DNA position 5310, C replaced by G.
Protein change: p.Leu1770=; no amino-acid change (leucine 1770 retained).
Molecular consequence: synonymous variant.
Genome position (GRCh38, 1-based): chr9:441,372, C>G. VCF-style: chr9-441372-C-G. GRCh37 (hg19) VCF-style: chr9-441372-C-G.
Other names: c.5310C>G (NM_203447.3); c.5010C>G, p.Leu1670= (NM_001190458.2); c.5106C>G, p.Leu1702= (NM_001193536.2).
Identifiers: ClinVar variation 1583103 (VCV001583103.10), dbSNP rs1347537082, ClinGen allele CA463699935.

ClinVar aggregate classification (germline): Likely benign. Review status: criteria provided, single submitter (1 of 4 stars). 2 submissions from 2 submitters: Likely benign (1). 1 of the submissions does not count toward it. Last evaluated 2025-11-03.

Conditions:
DOCK8-related disorder. Also called: DOCK8-related condition.
Combined immunodeficiency due to DOCK8 deficiency (HIES2). Also called: HYPER-IgE SYNDROME 2, AUTOSOMAL RECESSIVE, WITH RECURRENT INFECTIONS; HIES autosomal recessive; Hyper-IgE recurrent infection syndrome, autosomal recessive; HYPER-IgE RECURRENT INFECTION SYNDROME 2, AUTOSOMAL RECESSIVE; DOCK8 Deficiency. Identifiers: Orphanet 217390, MedGen C4722305, MONDO:0009478, OMIM 243700.

Allele frequency attached by ClinVar (database versions not stated): TOPMed below 0.00001; gnomAD 0.00001; gnomAD exomes 0.00001 and 0.00002.
gnomAD v4.1: 7 of 1,614,106 alleles (0.00043%); highest among the groups gnomAD compares: Admixed American, 0.012%; no homozygotes.

Submissions (2):

Labcorp Genetics (formerly Invitae), Labcorp
Classification: Likely benign for Combined immunodeficiency due to DOCK8 deficiency. Last evaluated: 2025-11-03. Review status: criteria provided, single submitter. Criteria: Invitae Variant Classification Sherloc (09022015). Collection method: clinical testing. Allele origin: germline.

PreventionGenetics, part of Exact Sciences
Classification: Likely benign for DOCK8-related condition. Last evaluated: 2024-01-08. Review status: no assertion criteria provided. Collection method: clinical testing. Allele origin: germline. Not counted in ClinVar's aggregate classification.
Comment: This variant is classified as likely benign based on ACMG/AMP sequence variant interpretation guidelines (Richards et al. 2015 PMID: 25741868, with internal and published modifications).